The following is an entry in ClinVar:

NM_001371928.1(AHDC1):c.3043G>A (p.Ala1015Thr)

Gene: AHDC1 (AT-hook DNA binding motif containing 1; minus strand). Cytogenetic location: 1p36.11.
Variant type: single nucleotide variant.
Coding change: c.3043G>A on transcript NM_001371928.1 (MANE Select); coding-DNA position 3043, G replaced by A.
Protein change: p.Ala1015Thr; replaces alanine 1015 with threonine.
Molecular consequence: missense variant.
Genome position (GRCh38, 1-based): chr1:27,549,073, C>T on the plus strand (G>A on the coding strand, the complement: AHDC1 is on the minus strand). VCF-style: chr1-27549073-C-T. GRCh37 (hg19) VCF-style: chr1-27875584-C-T.
Other names: c.3043G>A, p.Ala1015Thr (NM_001029882.3); short protein forms A1015T.
Identifiers: ClinVar variation 1365770 (VCV001365770.6), dbSNP rs1039583400, ClinGen allele CA339228531.

ClinVar aggregate classification (germline): Uncertain significance (1 of 4 stars; one submission).

Allele frequency attached by ClinVar (database versions not stated): gnomAD 0.00001.
gnomAD v4.1: 7 of 1,563,294 alleles (0.00045%); highest among the groups gnomAD compares: Middle Eastern, 0.017%; no homozygotes.

Submission:

Labcorp Genetics (formerly Invitae), Labcorp
Classification: Uncertain significance. Last evaluated: 2024-08-15. Review status: criteria provided, single submitter. Criteria: Invitae Variant Classification Sherloc (09022015). Collection method: clinical testing. Allele origin: germline.
Comment: This sequence change replaces alanine, which is neutral and non-polar, with threonine, which is neutral and polar, at codon 1015 of the AHDC1 protein (p.Ala1015Thr). This variant is not present in population databases (gnomAD no frequency). This variant has not been reported in the literature in individuals affected with AHDC1-related conditions. ClinVar contains an entry for this variant (Variation ID: 1365770). An algorithm developed to predict the effect of missense changes on protein structure and function (PolyPhen-2) suggests that this variant is likely to be disruptive. In summary, the available evidence is currently insufficient to determine the role of this variant in disease. Therefore, it has been classified as a Variant of Uncertain Significance.